The following is an entry in ClinVar:

ClinVar aggregate classification (germline): Uncertain significance (1 of 4 stars; one submission).

Allele frequency attached by ClinVar (database versions not stated): gnomAD exomes below 0.00001; TOPMed below 0.00001.
gnomAD v4.1: 1 of 1,613,154 alleles (0.000062%); highest among the groups gnomAD compares: Non-Finnish European, 0.000085%; no homozygotes.

Submission:

Labcorp Genetics (formerly Invitae), Labcorp
Classification: Uncertain significance. Last evaluated: 2021-04-17. Review status: criteria provided, single submitter. Criteria: Invitae Variant Classification Sherloc (09022015). Collection method: clinical testing. Allele origin: germline.
Comment: In summary, the available evidence is currently insufficient to determine the role of this variant in disease. Therefore, it has been classified as a Variant of Uncertain Significance. Algorithms developed to predict the effect of missense changes on protein structure and function are either unavailable or do not agree on the potential impact of this missense change (SIFT: "Deleterious"; PolyPhen-2: "Probably Damaging"; Align-GVGD: "Class C0"). This variant has not been reported in the literature in individuals with ERMARD-related conditions. This variant is not present in population databases (ExAC no frequency). This sequence change replaces tryptophan with cysteine at codon 46 of the ERMARD protein (p.Trp46Cys). The tryptophan residue is moderately conserved and there is a large physicochemical difference between tryptophan and cysteine.

NM_018341.3(ERMARD):c.138G>C (p.Trp46Cys)

Gene: ERMARD (ER membrane associated RNA degradation; plus strand). Cytogenetic location: 6q27.
Variant type: single nucleotide variant.
Coding change: c.138G>C on transcript NM_018341.3 (MANE Select); coding-DNA position 138, G replaced by C.
Protein change: p.Trp46Cys; replaces tryptophan 46 with cysteine.
Molecular consequence: missense variant. On other transcripts: intron variant (1).
Genome position (GRCh38, 1-based): chr6:169,753,995, G>C. VCF-style: chr6-169753995-G-C. GRCh37 (hg19) VCF-style: chr6-170154091-G-C.
Other names: c.138G>C, p.Trp46Cys (NM_001278531.2, NM_001278533.2); c.-203-1288G>C (NM_001278532.2); short protein forms W46C.
Identifiers: ClinVar variation 1346404 (VCV001346404.8), dbSNP rs1197839775, ClinGen allele CA366504069.